The following is an entry in ClinVar:

ClinVar aggregate classification (germline): Uncertain significance. Review status: criteria provided, multiple submitters, no conflicts (2 of 4 stars). 2 submissions from 2 submitters: Uncertain significance (2). Last evaluated 2022-07-05.

Conditions:
Primary ciliary dyskinesia. Also called: Ciliary dyskinesia. Identifiers: Orphanet 244, MedGen C0008780, MONDO:0016575, HP:0012265.
Primary ciliary dyskinesia 10. Also called: CILIARY DYSKINESIA, PRIMARY, 10, WITH OR WITHOUT SITUS INVERSUS. Identifiers: Orphanet 244, MedGen C2675867, MONDO:0012918, OMIM 612518.

Submissions (2):

Labcorp Genetics (formerly Invitae), Labcorp
Classification: Uncertain significance for Primary ciliary dyskinesia. Last evaluated: 2022-07-05. Review status: criteria provided, single submitter. Criteria: Invitae Variant Classification Sherloc (09022015). Collection method: clinical testing. Allele origin: germline.
Comment: In summary, the available evidence is currently insufficient to determine the role of this variant in disease. Therefore, it has been classified as a Variant of Uncertain Significance. Experimental studies and prediction algorithms are not available or were not evaluated, and the functional significance of this variant is currently unknown. ClinVar contains an entry for this variant (Variation ID: 1351704). This variant has not been reported in the literature in individuals affected with DNAAF2-related conditions. This variant is not present in population databases (gnomAD no frequency). This variant, c.370_393del, results in the deletion of 8 amino acid(s) of the DNAAF2 protein (p.Ser124_Tyr131del), but otherwise preserves the integrity of the reading frame.

Fulgent Genetics
Classification: Uncertain significance for Primary ciliary dyskinesia 10. Last evaluated: 2022-01-20. Review status: criteria provided, single submitter. Criteria: ACMG Guidelines, 2015. Collection method: clinical testing. Allele origin: unknown.

NM_018139.3(DNAAF2):c.370_393del (p.Ser124_Tyr131del)

Gene: DNAAF2 (dynein axonemal assembly factor 2; minus strand). Cytogenetic location: 14q21.3.
Variant type: Deletion.
Coding change: c.370_393del on transcript NM_018139.3 (MANE Select); coding-DNA positions 370 to 393, 24 bases deleted (AGCCTGGCGCCCGGCCGCGAGTAC).
Protein change: p.Ser124_Tyr131del.
Molecular consequence: inframe deletion.
Genome position (GRCh38, 1-based): chr14:49,634,757-49,634,780, GTACTCGCGGCCGGGCGCCAGGCT deleted on the plus strand (AGCCTGGCGCCCGGCCGCGAGTAC on the coding strand, the reverse complement: DNAAF2 is on the minus strand); deleting any 24 consecutive bases within chr14:49,634,757-49,634,783 gives the same sequence; the c. name uses the placement nearest the transcript's 3' end. VCF-style (leftmost placement, unchanged base first): chr14-49634756-CGTACTCGCGGCCGGGCGCCAGGCT-C. GRCh37 (hg19) VCF-style: chr14-50101474-CGTACTCGCGGCCGGGCGCCAGGCT-C.
Other names: c.370_393del, p.Ser124_Tyr131del (NM_001083908.2).
Identifiers: ClinVar variation 1351704 (VCV001351704.9), dbSNP rs2139583907, ClinGen allele CA2573149915.